The following is an entry in ClinVar:

NM_024408.4(NOTCH2):c.7198C>T (p.Arg2400Ter)

Gene: NOTCH2 (notch receptor 2; minus strand). Cytogenetic location: 1p12.
Variant type: single nucleotide variant.
Coding change: c.7198C>T on transcript NM_024408.4 (MANE Select); coding-DNA position 7198, C replaced by T.
Protein change: p.Arg2400Ter; replaces arginine 2400 with a stop codon.
Molecular consequence: nonsense.
Genome position (GRCh38, 1-based): chr1:119,915,524, G>A on the plus strand (C>T on the coding strand, the complement: NOTCH2 is on the minus strand). VCF-style: chr1-119915524-G-A. GRCh37 (hg19) VCF-style: chr1-120458147-G-A.
Other names: short protein forms R2400*.
Identifiers: ClinVar variation 518450 (VCV000518450.14), dbSNP rs1325403451, ClinGen allele CA341872777.
Genomic context (GRCh38, chr1:119,915,524, plus strand): 5'-CTGGGGATGGTGTCAGGTAGGGATGCTCACCCTGGAGGTGACCACTGTGACTGGGTGTTC[G>A]CTCAGCAGCATTTGAGGAAGCATAACTGTGCTGTGAAGGGGGTGTGGGGTACTTGCCCAC-3'

ClinVar aggregate classification (germline): Pathogenic. Review status: criteria provided, multiple submitters, no conflicts (2 of 4 stars). 9 submissions from 9 submitters: Pathogenic (7). 2 of the submissions do not count toward it. Last evaluated 2026-04-22.
ClinVar aggregate classification (oncogenicity): Likely oncogenic (1 of 4 stars; one submission).

Conditions:
Hajdu-Cheney syndrome (HJCYS). Also called: Acroosteolysis dominant type; SERPENTINE FIBULA-POLYCYSTIC KIDNEY SYNDROME; ACROOSTEOLYSIS WITH OSTEOPOROSIS AND CHANGES IN SKULL AND MANDIBLE. Identifiers: Orphanet 955, MedGen C0917715, MONDO:0007057, OMIM 102500.
Paediatric disorders.
Alagille syndrome due to a NOTCH2 point mutation. Also called: Alagille syndrome 2. Identifiers: Orphanet 261629, Orphanet 52, MedGen C1857761, MONDO:0012439, OMIM 610205.
Neoplasm. Also called: Neoplasms; Neoplasm (disease); tumor. Identifiers: MedGen C0027651, MeSH D009369, MONDO:0005070, HP:0002664.

Allele frequency attached by ClinVar (database versions not stated): gnomAD exomes below 0.00001 and 0.00001.
gnomAD v4.1: 1 of 1,614,014 alleles (0.000062%); highest among the groups gnomAD compares: Non-Finnish European, 0.000085%; no homozygotes.

Submissions (10):

NHS Central & South Genomic Laboratory Hub
Classification: Pathogenic for Paediatric disorders. Last evaluated: 2026-04-22. Review status: criteria provided, single submitter. Criteria: ACMG Guidelines, 2015. Collection method: clinical testing. Allele origin: germline. Affected: yes.

Center for Genomic Medicine, Rigshospitalet, Copenhagen University Hospital
Classification: Likely oncogenic for Neoplasm. Last evaluated: 2025-12-29. Review status: criteria provided, single submitter. Criteria: ClinGen/CGC/VICC Guidelines for Oncogenicity, 2022. Collection method: clinical testing. Allele origin: somatic. Affected: yes.

New York Genome Center
Classification: Pathogenic for Hajdu-Cheney syndrome. Last evaluated: 2024-05-02. Review status: criteria provided, single submitter. Criteria: NYGC Assertion Criteria 2020. Collection method: clinical testing. Allele origin: de novo. Affected: yes. Observed: 1 variant allele, 1 heterozygote.
Comment: The c.7198C>T p.Arg2400Ter variant in NOTCH2 located in exon 34 of this 34-exon gene is predicted to escape nonsense mediated decay and result in loss of the last 71 amino acid residues of this protein which includes the majority of the PEST domain. This variant has been observed once in the gnomAD population database (v4.0.0) and is absent from the AllofUs database, suggesting that this is not a common benign polymorphism in the populations represented by those databases. This variant has been deposited in ClinVar as pathogenic 5 times and once as a VUS [ClinVar ID: 518450]. This variant has been observed to occur de novo in two individuals affected with Hadju-Cheney syndrome with confirmed parental relationships [PMID: 25590979, 33448881], and presumed de novo in four additional individuals with Hadju-Cheney syndrome where parents were confirmed to not carry the c.7198C>T variant but parenta lrelationships were not confirmed [PMID: 21378985, 21793104, 24995648, 29453417]. This premature termination variant has been demonstrated to escape nonsense mediated decay and generate a truncated protein lacking the PEST domain in primary cells from an individual with Hadju-Cheney syndrome [PMID: 21378985]. Other truncating variants in the last exon of NOTCH2 which preserve the ankyrin repeats and nuclear localization sequences but remove or disrupt the PEST domain have been reported in the literature [PMID: 21378985, 21793104] and ClinVar in individuals with Hadju-Cheney syndrome. Based on available evidence this apparently denovo c.7198C>T p.Arg2400Ter variant identified in NOTCH2 is classified as Pathogenic.

Labcorp Genetics (formerly Invitae), Labcorp
Classification: Pathogenic for Hajdu-Cheney syndrome. Last evaluated: 2023-11-24. Review status: criteria provided, single submitter. Criteria: Invitae Variant Classification Sherloc (09022015). Collection method: clinical testing. Allele origin: germline.
Comment: This sequence change creates a premature translational stop signal (p.Arg2400*) in the NOTCH2 gene. While this is not anticipated to result in nonsense mediated decay, it is expected to disrupt the last 72 amino acid(s) of the NOTCH2 protein. The frequency data for this variant in the population databases is considered unreliable, as metrics indicate poor data quality at this position in the gnomAD database. This premature translational stop signal has been observed in individual(s) with Hajdu-Cheney syndrome (PMID: 21378985, 29698804). In at least one individual the variant was observed to be de novo. ClinVar contains an entry for this variant (Variation ID: 518450). This protein change is located in a region of the NOTCH2 protein where a significant number of previously reported NOTCH2 nonsense and frameshift mutations are found (PMID: 21378985, 23389697, 26627824). For these reasons, this variant has been classified as Pathogenic.

Baylor Genetics
Classification: Pathogenic for Hajdu-Cheney syndrome. Last evaluated: 2023-02-10. Review status: criteria provided, single submitter. Criteria: ACMG Guidelines, 2015. Collection method: clinical testing. Allele origin: unknown.

GeneDx
Classification: Pathogenic. Last evaluated: 2022-12-30. Review status: criteria provided, single submitter. Criteria: GeneDx Variant Classification Process June 2021. Collection method: clinical testing. Allele origin: germline. Affected: yes.
Comment: Nonsense variant predicted to result in protein truncation, as the last 72 amino acids are lost, and other loss-of-function variants have been reported downstream in HGMD; This variant is associated with the following publications: (PMID: 24296945, 21378985, 25141821, 24995648, 29453417, 29698804, 32978145, 31785789, 29618366, 24077912, 23389697, 28832562, 21793104, 33448881, 25590979)

3billion
Classification: Pathogenic for Hajdu-Cheney syndrome. Last evaluated: 2022-05-22. Review status: criteria provided, single submitter. Criteria: ACMG Guidelines, 2015. Collection method: clinical testing. Allele origin: germline. Affected: yes. Observed: 1 heterozygote.
Comment: The variant is observed at an extremely low frequency in the gnomAD v2.1.1 dataset (total allele frequency: <0.001%). Stop-gained (nonsense): predicted to result in a loss or disruption of normal protein function through protein truncation. Multiple pathogenic variants are reported in the predicted truncated region. The variant has been reported to be associated with NOTCH2 related disorder (ClinVar ID: VCV000518450 / PMID: 21378985). However, the evidence of pathogenicity is insufficient at this time. Therefore, this variant is classified as pathogenic according to the recommendation of ACMG/AMP guideline.

Institute of Human Genetics, University of Leipzig Medical Center
Classification: Pathogenic for Alagille syndrome due to a NOTCH2 point mutation. Last evaluated: 2022-03-08. Review status: criteria provided, single submitter. Criteria: ACMG Guidelines, 2015. Collection method: clinical testing. Allele origin: de novo. Inheritance: Autosomal dominant inheritance. Affected: yes.

Gharavi Laboratory, Columbia University
Classification: Pathogenic for Alagille syndrome 2. Last evaluated: 2024-11-05. Review status: no assertion criteria provided. Criteria: ACMG Guidelines, 2015. Collection method: case-control. Allele origin: germline. Affected: yes. Not counted in ClinVar's aggregate classification.

Metabolic Disease laboratory, Sheba Medical Center
Classification: Pathogenic for Hajdu-Cheney syndrome. Last evaluated: 2017-10-01. Review status: no assertion criteria provided. Collection method: clinical testing. Allele origin: de novo. Affected: yes. Observed: 1 variant allele, 1 heterozygote. Not counted in ClinVar's aggregate classification.

Literature cited by the submitters: PubMed 19445024 (cited by Center for Genomic Medicine, Rigshospitalet, Copenhagen University Hospital); PubMed 25590979 (cited by New York Genome Center); PubMed 33448881 (cited by New York Genome Center); PubMed 21378985 (cited by 3 submitters); PubMed 21793104 (cited by New York Genome Center); PubMed 24995648 (cited by New York Genome Center); PubMed 29453417 (cited by New York Genome Center); PubMed 29698804 (cited by Labcorp Genetics (formerly Invitae), Labcorp); PubMed 23389697 (cited by Labcorp Genetics (formerly Invitae), Labcorp); PubMed 26627824 (cited by Labcorp Genetics (formerly Invitae), Labcorp).